The following is an entry in ClinVar:

NM_000179.3(MSH6):c.-44G>T

Genes: MSH6 (mutS homolog 6; plus strand), LOC129933706 (ATAC-STARR-seq lymphoblastoid silent region 11467; plus strand). Cytogenetic location: 2p16.3.
Variant type: single nucleotide variant.
Coding change: c.-44G>T on transcript NM_000179.3 (MANE Select); 44 bases upstream of the start codon, G replaced by T.
Molecular consequence: 5 prime UTR variant.
Genome position (GRCh38, 1-based): chr2:47,783,190, G>T. VCF-style: chr2-47783190-G-T. GRCh37 (hg19) VCF-style: chr2-48010329-G-T.
Other names: c.-44G>T (NM_001281492.2); c.-780G>T (NM_001281493.2).
Identifiers: ClinVar variation 418952 (VCV000418952.2), dbSNP rs1064793549, ClinGen allele CA16617612.
Genomic context (GRCh38, chr2:47,783,190, plus strand): 5'-AGCGCGCCTCCCCCCAGATTTCCCGCCAGCAGGAGCCGCGCGGTAGATGCGGTGCTTTTA[G>T]GAGCTCCGTCCGACAGAACGGTTGGGCCTTGCCGGCTGTCGGTATGTCGCGACAGAGCAC-3'

ClinVar aggregate classification (germline): Uncertain significance (1 of 4 stars; one submission).

Allele frequency attached by ClinVar (database versions not stated): gnomAD exomes below 0.00001.

Submission:

GeneDx
Classification: Uncertain significance. Last evaluated: 2015-04-28. Review status: criteria provided, single submitter. Criteria: GeneDx Variant Classification (06012015). Collection method: clinical testing. Allele origin: germline. Affected: yes.
Comment: This variant is denoted MSH6 c.-44G>T, and describes a nucleotide substitution 44 base pairs upstream of the MSH6 ATG translational start site in the 5' untranslated region (UTR). The surrounding sequence, with the base that is substituted in braces, is TTTA[G/T]GAGC. This variant has not been published to our knowledge. MSH6 c.-44G>T was not observed in approximately 6,500 individuals of European and African American ancestry in the NHLBI Exome Sequencing Project, indicating it is not a common benign variant in these populations. This substitution is not tolerated in evolution and it occurs at a position that is conserved in mammals. Although MSH6 c.-44G>T does not affect the usual start codon or the Kozak translational consensus sequence, it does create a new in-frame ATG start codon. Since the creation of this new start codon may or may not inhibit proper protein functioning, the clinical significance of this finding remains unclear at this time and we consider MSH6 c.-44G>T to be a variant of uncertain significance.